The following is an entry in ClinVar:

ClinVar aggregate classification (germline): Uncertain significance (1 of 4 stars; one submission).

Allele frequency attached by ClinVar (database versions not stated): gnomAD exomes below 0.00001.
gnomAD v4.1: 7 of 1,612,778 alleles (0.00043%); highest among the groups gnomAD compares: Non-Finnish European, 0.00051%; no homozygotes.

Submission:

Labcorp Genetics (formerly Invitae), Labcorp
Classification: Uncertain significance. Last evaluated: 2021-11-12. Review status: criteria provided, single submitter. Criteria: Invitae Variant Classification Sherloc (09022015). Collection method: clinical testing. Allele origin: germline.
Comment: In summary, the available evidence is currently insufficient to determine the role of this variant in disease. Therefore, it has been classified as a Variant of Uncertain Significance. Algorithms developed to predict the effect of missense changes on protein structure and function output the following: SIFT: "Deleterious"; PolyPhen-2: "Benign"; Align-GVGD: "Class C0". The threonine amino acid residue is found in multiple mammalian species, which suggests that this missense change does not adversely affect protein function. This sequence change replaces serine, which is neutral and polar, with threonine, which is neutral and polar, at codon 32 of the ADAMTSL4 protein (p.Ser32Thr). This variant is present in population databases (rs781562228, gnomAD 0.0009%). This variant has not been reported in the literature in individuals affected with ADAMTSL4-related conditions.

NM_019032.6(ADAMTSL4):c.94T>A (p.Ser32Thr)

Genes: ADAMTSL4 (ADAMTS like 4; plus strand), ADAMTSL4-AS2 (ADAMTSL4 antisense RNA 2; minus strand). Cytogenetic location: 1q21.2.
Variant type: single nucleotide variant.
Coding change: c.94T>A on transcript NM_019032.6 (MANE Select); coding-DNA position 94, T replaced by A.
Protein change: p.Ser32Thr; replaces serine 32 with threonine.
Molecular consequence: missense variant.
Genome position (GRCh38, 1-based): chr1:150,552,913, T>A. VCF-style: chr1-150552913-T-A. GRCh37 (hg19) VCF-style: chr1-150525389-T-A.
Other names: c.94T>A, p.Ser32Thr (NM_001288607.2, NM_001288608.2, NM_001378596.1 and 1 more transcripts); short protein forms S32T.
Identifiers: ClinVar variation 1417323 (VCV001417323.6), dbSNP rs781562228, ClinGen allele CA1077874.